The following is an entry in ClinVar:

ClinVar aggregate classification (germline): Uncertain significance (1 of 4 stars; one submission).

Submission:

GeneDx
Classification: Uncertain significance. Last evaluated: 2019-11-26. Review status: criteria provided, single submitter. Criteria: GeneDx Variant Classification Process June 2021. Collection method: clinical testing. Allele origin: germline. Affected: yes.
Comment: Not observed in large population cohorts (Lek et al., 2016); In silico analysis, which includes splice predictors and evolutionary conservation, supports a deleterious effect; Has not been previously published as pathogenic or benign to our knowledge

NM_004999.4(MYO6):c.391+3_391+6del

Gene: MYO6 (myosin VI; plus strand). Cytogenetic location: 6q14.1.
Variant type: Deletion.
Coding change: c.391+3_391+6del on transcript NM_004999.4 (MANE Select); bases 3 to 6 of the intron after coding-DNA position 391, 4 bases deleted (AAGT; older notation c.391+3_391+6delAAGT).
Molecular consequence: splice donor variant.
Genome position (GRCh38, 1-based): chr6:75,830,548-75,830,551, AAGT deleted; deleting any 4 consecutive bases within chr6:75,830,546-75,830,551 gives the same sequence; the c. name uses the placement nearest the transcript's 3' end. VCF-style (leftmost placement, unchanged base first): chr6-75830545-GGTAA-G. GRCh37 (hg19) VCF-style: chr6-76540262-GGTAA-G.
Other names: c.391+3_391+6del (NM_001368865.1, NM_001368866.1, NM_001368137.1 and 5 more transcripts).
Identifiers: ClinVar variation 1310547 (VCV001310547.2), dbSNP rs2150213297, ClinGen allele CA450937967.